The following is an entry in ClinVar:

ClinVar aggregate classification (germline): Likely benign. Review status: criteria provided, single submitter (1 of 4 stars). 2 submissions from 2 submitters: Likely benign (1). 1 of the submissions does not count toward it. Last evaluated 2023-04-22.

Conditions:
SEMA4A-related disorder. Also called: SEMA4A-related condition.

Allele frequency attached by ClinVar (database versions not stated): gnomAD exomes 0.00001 and 0.00002; ExAC 0.00002; gnomAD 0.00004; TOPMed 0.00005.
gnomAD v4.1: 33 of 1,428,774 alleles (0.0023%); highest among the groups gnomAD compares: African/African-American, 0.0073%; no homozygotes.

Submissions (2):

Labcorp Genetics (formerly Invitae), Labcorp
Classification: Likely benign. Last evaluated: 2023-04-22. Review status: criteria provided, single submitter. Criteria: Invitae Variant Classification Sherloc (09022015). Collection method: clinical testing. Allele origin: germline.

PreventionGenetics, part of Exact Sciences
Classification: Likely benign for SEMA4A-related condition. Last evaluated: 2023-07-18. Review status: no assertion criteria provided. Collection method: clinical testing. Allele origin: germline. Not counted in ClinVar's aggregate classification.
Comment: This variant is classified as likely benign based on ACMG/AMP sequence variant interpretation guidelines (Richards et al. 2015 PMID: 25741868, with internal and published modifications).

NM_022367.4(SEMA4A):c.822C>T (p.Gly274=)

Gene: SEMA4A (semaphorin 4A; plus strand). Cytogenetic location: 1q22.
Variant type: single nucleotide variant.
Coding change: c.822C>T on transcript NM_022367.4 (MANE Select); coding-DNA position 822, C replaced by T.
Protein change: p.Gly274=; no amino-acid change (glycine 274 retained).
Molecular consequence: synonymous variant.
Genome position (GRCh38, 1-based): chr1:156,161,357, C>T. VCF-style: chr1-156161357-C-T. GRCh37 (hg19) VCF-style: chr1-156131148-C-T.
Other names: c.822C>T, p.Gly274= (NM_001193300.2, NM_001193301.2, NM_001370567.1); c.426C>T, p.Gly142= (NM_001193302.2); c.525C>T, p.Gly175= (NM_001370568.1); c.315C>T, p.Gly105= (NM_001370569.1, NM_001370571.1); c.822C>T (NM_022367.3).
Identifiers: ClinVar variation 1664634 (VCV001664634.10), dbSNP rs761522614, ClinGen allele CA1155200.